The following is an entry in ClinVar:

ClinVar aggregate classification (germline): Conflicting classifications of pathogenicity. Review status: criteria provided, conflicting classifications (1 of 4 stars). 10 submissions from 10 submitters: Uncertain significance (1); Likely benign (4). 5 of the submissions do not count toward it. Last evaluated 2026-07-01.

Conditions:
SLC35A1-related disorder. Also called: SLC35A1-related condition.
SLC35A1-congenital disorder of glycosylation. Also called: CONGENITAL DISORDER OF GLYCOSYLATION, TYPE IIf; CDG IIf; SLC35A1-CDG. Identifiers: Orphanet 238459, MedGen C1970344, MONDO:0011342, OMIM 603585.

Allele frequency attached by ClinVar (database versions not stated): 1000 Genomes Project 0.00120; 1000 Genomes Project 30x 0.00156; TOPMed 0.00225; gnomAD 0.00306; ESP Exome Variant Server 0.00354.
gnomAD v4.1: 5,595 of 1,614,086 alleles (0.35%); highest among the groups gnomAD compares: Non-Finnish European, 0.4%; 9 homozygotes.

Submissions (10):

CeGaT Center for Human Genetics Tuebingen
Classification: Likely benign. Last evaluated: 2026-07-01. Review status: criteria provided, single submitter. Criteria: CeGaT Center For Human Genetics Tuebingen Variant Classification Criteria Version 2. Collection method: clinical testing. Allele origin: germline. Affected: yes. Observed: 5 variant alleles.
Comment: SLC35A1: BS2

Labcorp Genetics (formerly Invitae), Labcorp
Classification: Likely benign for SLC35A1-congenital disorder of glycosylation. Last evaluated: 2025-11-25. Review status: criteria provided, single submitter. Criteria: Invitae Variant Classification Sherloc (09022015). Collection method: clinical testing. Allele origin: germline.

Blueprint Genetics
Classification: Likely benign. Last evaluated: 2024-11-26. Review status: criteria provided, single submitter. Criteria: ACMG Guidelines, 2015. Collection method: clinical testing. Allele origin: germline.

GeneDx
Classification: Likely benign. Last evaluated: 2019-08-15. Review status: criteria provided, single submitter. Criteria: GeneDx Variant Classification Process June 2021. Collection method: clinical testing. Allele origin: germline. Affected: yes.

Center for Pediatric Genomic Medicine, Children's Mercy Hospital and Clinics
Classification: Uncertain significance. Last evaluated: 2017-06-22. Review status: criteria provided, single submitter. Criteria: ACMG Guidelines, 2015. Collection method: clinical testing. Allele origin: germline.

PreventionGenetics, part of Exact Sciences
Classification: Likely benign for SLC35A1-related condition. Last evaluated: 2024-07-22. Review status: no assertion criteria provided. Collection method: clinical testing. Allele origin: germline. Not counted in ClinVar's aggregate classification.
Comment: This variant is classified as likely benign based on ACMG/AMP sequence variant interpretation guidelines (Richards et al. 2015 PMID: 25741868, with internal and published modifications).

Clinical Genetics DNA and cytogenetics Diagnostics Lab, Erasmus MC, Erasmus Medical Center
Classification: Likely benign. Review status: no assertion criteria provided. Collection method: clinical testing. Allele origin: germline. Affected: yes. Study: VKGL Data-share Consensus. Not counted in ClinVar's aggregate classification.

Department of Pathology and Laboratory Medicine, Sinai Health System
Classification: Benign. Review status: no assertion criteria provided. Collection method: clinical testing. Allele origin: unknown. Affected: yes. Study: The Canadian Open Genetics Repository (COGR). Not counted in ClinVar's aggregate classification.
Comment: The SLC35A1 p.Thr45Ala variant was not identified in the literature but was identified in dbSNP (ID: rs145006535), LOVD 3.0 and ClinVar (classified as uncertain significance by Illumina and Center for Pediatric Genomic Medicine, Children's Mercy Hospital and Clinics, and as likely benign by Invitae). The variant was identified in control databases in 785 of 282850 chromosomes (3 homozygous) at a frequency of 0.002775 increasing the likelihood this could be a low frequency benign variant (Genome Aggregation Database March 6, 2019, v2.1.1). The variant was observed in the following populations: European (non-Finnish) in 542 of 129166 chromosomes (freq: 0.004196), Other in 30 of 7228 chromosomes (freq: 0.004151), European (Finnish) in 104 of 25124 chromosomes (freq: 0.004139), South Asian in 52 of 30612 chromosomes (freq: 0.001699), Latino in 37 of 35440 chromosomes (freq: 0.001044), Ashkenazi Jewish in 9 of 10370 chromosomes (freq: 0.000868) and African in 11 of 24960 chromosomes (freq: 0.000441), but was not observed in the East Asian population. The p.Thr45 residue is conserved in mammals and computational analyses (PolyPhen-2, SIFT, AlignGVGD, BLOSUM, MutationTaster) provide inconsistent predictions regarding the impact to the protein; this information is not very predictive of pathogenicity. The variant occurs outside of the splicing consensus sequence and in silico or computational prediction software programs (SpliceSiteFinder, MaxEntScan, NNSPLICE, GeneSplicer) do not predict a difference in splicing. In summary, based on the above information this variant meets our laboratory's criteria to be classified as benign.

Diagnostic Laboratory, Department of Genetics, University Medical Center Groningen
Classification: Likely benign. Review status: no assertion criteria provided. Collection method: clinical testing. Allele origin: germline. Affected: yes. Study: VKGL Data-share Consensus. Not counted in ClinVar's aggregate classification.

Institute of Medical Genetics and Applied Genomics, University Hospital Tübingen
Classification: Likely pathogenic for SLC35A1-congenital disorder of glycosylation. Last evaluated: 2024-09-24. Review status: flagged submission. Criteria: ACMG Guidelines, 2015. Collection method: clinical testing. Allele origin: germline. Inheritance: Autosomal recessive inheritance. Affected: yes. Not counted in ClinVar's aggregate classification.
ClinVar note: Reason: Outlier claim with insufficient supporting evidence

NM_006416.5(SLC35A1):c.133A>G (p.Thr45Ala)

Gene: SLC35A1 (solute carrier family 35 member A1; plus strand). Cytogenetic location: 6q15.
Variant type: single nucleotide variant.
Coding change: c.133A>G on transcript NM_006416.5 (MANE Select); coding-DNA position 133, A replaced by G.
Protein change: p.Thr45Ala; replaces threonine 45 with alanine.
Molecular consequence: missense variant.
Genome position (GRCh38, 1-based): chr6:87,477,478, A>G. VCF-style: chr6-87477478-A-G. GRCh37 (hg19) VCF-style: chr6-88187196-A-G.
Other names: c.133A>G, p.Thr45Ala (NM_001168398.2); short protein forms T45A.
Identifiers: ClinVar variation 358215 (VCV000358215.56), dbSNP rs145006535, ClinGen allele CA3915897.